The following is an entry in ClinVar:

NM_021815.5(SLC5A7):c.1237G>A (p.Val413Ile)

Gene: SLC5A7 (solute carrier family 5 member 7; plus strand). Cytogenetic location: 2q12.3.
Variant type: single nucleotide variant.
Coding change: c.1237G>A on transcript NM_021815.5 (MANE Select); coding-DNA position 1237, G replaced by A.
Protein change: p.Val413Ile; replaces valine 413 with isoleucine.
Molecular consequence: missense variant.
Genome position (GRCh38, 1-based): chr2:108,010,355, G>A. VCF-style: chr2-108010355-G-A. GRCh37 (hg19) VCF-style: chr2-108626811-G-A.
Other names: p.Val413Ile; c.1237G>A, p.Val413Ile (NM_001305005.3); c.922G>A, p.Val308Ile (NM_001305006.3); c.496G>A, p.Val166Ile (NM_001305007.3); c.1237G>A (NM_021815.4); short protein forms V413I, V308I, V166I.
Identifiers: ClinVar variation 532824 (VCV000532824.20), dbSNP rs138945146, ClinGen allele CA1819149.

ClinVar aggregate classification (germline): Conflicting classifications of pathogenicity. Review status: criteria provided, conflicting classifications (1 of 4 stars). 7 submissions from 7 submitters: Uncertain significance (1); Likely benign (5). 1 of the submissions does not count toward it. Last evaluated 2025-12-21.

Conditions:
SLC5A7-related disorder. Also called: SLC5A7-related condition.
Inborn genetic diseases. Identifiers: MedGen C0950123, MeSH D030342.
Neuronopathy, distal hereditary motor, type 7A. Also called: Neuronopathy, distal hereditary motor, autosomal dominant 7; Neuronopathy, distal hereditary motor, type viia; NEURONOPATHY, DISTAL HEREDITARY MOTOR, HARDING TYPE VIIA; NEUROPATHY, DISTAL HEREDITARY MOTOR, HARDING TYPE VIIA; HARPER-YOUNG MYOPATHY; HMN VIIA. Identifiers: Orphanet 139589, MedGen C1834703, MONDO:0008024, OMIM 158580.
Congenital myasthenic syndrome 20. Also called: Myasthenic syndrome, congenital, 20, presynaptic. Identifiers: MedGen C4310694, MONDO:0014939, OMIM 617143.

Allele frequency attached by ClinVar (database versions not stated): gnomAD exomes 0.00022 and 0.00051; 1000 Genomes Project 30x 0.00031; 1000 Genomes Project 0.00040; ExAC 0.00046; gnomAD 0.00086 and 0.00096; TOPMed 0.00120; ESP Exome Variant Server 0.00138.

Submissions (7):

Labcorp Genetics (formerly Invitae), Labcorp
Classification: Likely benign for Neuronopathy, distal hereditary motor, type 7A; Congenital myasthenic syndrome 20. Last evaluated: 2025-12-21. Review status: criteria provided, single submitter. Criteria: Invitae Variant Classification Sherloc (09022015). Collection method: clinical testing. Allele origin: germline.

Mayo Clinic Laboratories, Mayo Clinic
Classification: Likely benign. Last evaluated: 2025-03-04. Review status: criteria provided, single submitter. Criteria: ACMG Guidelines, 2015. Collection method: clinical testing. Allele origin: germline. Observed: 2 variant alleles.
Comment: BS1, BP4

Blueprint Genetics
Classification: Likely benign. Last evaluated: 2024-10-25. Review status: criteria provided, single submitter. Criteria: ACMG Guidelines, 2015. Collection method: clinical testing. Allele origin: germline.

Revvity Omics, Revvity
Classification: Uncertain significance. Last evaluated: 2023-11-28. Review status: criteria provided, single submitter. Criteria: ACMG Guidelines, 2015. Collection method: clinical testing. Allele origin: germline.

GeneDx
Classification: Likely benign. Last evaluated: 2021-06-07. Review status: criteria provided, single submitter. Criteria: GeneDx Variant Classification Process June 2021. Collection method: clinical testing. Allele origin: germline. Affected: yes.

Ambry Genetics
Classification: Likely benign for Inborn genetic diseases. Last evaluated: 2019-09-29. Review status: criteria provided, single submitter. Criteria: Ambry Variant Classification Scheme 2023. Collection method: clinical testing. Allele origin: germline.

PreventionGenetics, part of Exact Sciences
Classification: Likely benign for SLC5A7-related condition. Last evaluated: 2022-02-22. Review status: no assertion criteria provided. Collection method: clinical testing. Allele origin: germline. Not counted in ClinVar's aggregate classification.
Comment: This variant is classified as likely benign based on ACMG/AMP sequence variant interpretation guidelines (Richards et al. 2015 PMID: 25741868, with internal and published modifications).